The following is an entry in ClinVar:

ClinVar aggregate classification (germline): Likely pathogenic (0 of 4 stars; one submission).

Conditions:
KMT2E-related disorder. Also called: KMT2E-related condition.

Submission:

PreventionGenetics, part of Exact Sciences
Classification: Likely pathogenic for KMT2E-related condition. Last evaluated: 2024-06-29. Review status: no assertion criteria provided. Collection method: clinical testing. Allele origin: germline.
Comment: The KMT2E c.2414_2418del5 variant is predicted to result in a frameshift and premature protein termination (p.Lys805Thrfs*3). To our knowledge, this variant has not been reported in the literature or in a large population database, indicating this variant is rare. Frameshift variants in KMT2E are expected to be pathogenic. This variant is interpreted as likely pathogenic.

NM_182931.3(KMT2E):c.2414_2418del (p.Lys805fs)

Gene: KMT2E (lysine methyltransferase 2E (inactive); plus strand). Cytogenetic location: 7q22.3.
Variant type: Microsatellite.
Coding change: c.2414_2418del on transcript NM_182931.3 (MANE Select); coding-DNA positions 2414 to 2418, 5 bases deleted (AAGAA; older notation c.2414_2418delAAGAA).
Protein change: p.Lys805fs; shifts the reading frame from lysine 805.
Molecular consequence: frameshift variant.
Genome position (GRCh38, 1-based): chr7:105,105,656-105,105,660, AAGAA deleted; deleting any 5 consecutive bases within chr7:105,105,651-105,105,660 gives the same sequence; the c. name uses the placement nearest the transcript's 3' end. VCF-style (leftmost placement, unchanged base first): chr7-105105650-GAAGAA-G. GRCh37 (hg19) VCF-style: chr7-104746097-GAAGAA-G.
Other names: c.2414_2418del, p.Lys805fs (NM_001410908.1, NM_018682.4); short protein forms K805fs.
Identifiers: ClinVar variation 3346150 (VCV003346150.1).